The following is an entry in ClinVar:

NM_005862.3(STAG1):c.3334C>G (p.Leu1112Val)

Gene: STAG1 (STAG1 cohesin complex component; minus strand). Cytogenetic location: 3q22.3.
Variant type: single nucleotide variant.
Coding change: c.3334C>G on transcript NM_005862.3 (MANE Select); coding-DNA position 3334, C replaced by G.
Protein change: p.Leu1112Val; replaces leucine 1112 with valine.
Molecular consequence: missense variant.
Genome position (GRCh38, 1-based): chr3:136,343,944, G>C on the plus strand (C>G on the coding strand, the complement: STAG1 is on the minus strand). VCF-style: chr3-136343944-G-C. GRCh37 (hg19) VCF-style: chr3-136062786-G-C.
Other names: short protein forms L1112V.
Identifiers: ClinVar variation 2230261 (VCV002230261.2), dbSNP rs1936109432, ClinGen allele CA354653049.

ClinVar aggregate classification (germline): Uncertain significance (1 of 4 stars; one submission).

Conditions:
Inborn genetic diseases. Identifiers: MedGen C0950123, MeSH D030342.

Allele frequency attached by ClinVar (database versions not stated): TOPMed below 0.00001; gnomAD 0.00001.
gnomAD v4.1: 1 of 1,611,846 alleles (0.000062%); highest among the groups gnomAD compares: African/African-American, 0.0013%; no homozygotes.

Submission:

Ambry Genetics
Classification: Uncertain significance for Inborn genetic diseases. Last evaluated: 2021-03-29. Review status: criteria provided, single submitter. Criteria: Ambry Variant Classification Scheme 2023. Collection method: clinical testing. Allele origin: germline.
Comment: The c.3334C>G (p.L1112V) alteration is located in exon 30 (coding exon 29) of the STAG1 gene. This alteration results from a C to G substitution at nucleotide position 3334, causing the leucine (L) at amino acid position 1112 to be replaced by a valine (V). The p.L1112V alteration is predicted to be tolerated by in silico analysis. Based on insufficient or conflicting evidence, the clinical significance of this alteration remains unclear.